The following is an entry in ClinVar:

ClinVar aggregate classification (germline): Uncertain significance (1 of 4 stars; one submission).

Conditions:
Hereditary cancer-predisposing syndrome. Also called: Neoplastic Syndromes, Hereditary; Tumor predisposition; Hereditary Cancer Syndrome; Hereditary neoplastic syndrome. Identifiers: Orphanet 140162, MedGen C0027672, MeSH D009386, MONDO:0015356.

gnomAD v4.1: 2 of 1,614,068 alleles (0.00012%); highest among the groups gnomAD compares: Non-Finnish European, 0.00017%; no homozygotes.

Submission:

Ambry Genetics
Classification: Uncertain significance for Hereditary cancer-predisposing syndrome. Last evaluated: 2025-11-09. Review status: criteria provided, single submitter. Criteria: Ambry Variant Classification Scheme 2023. Collection method: clinical testing. Allele origin: germline.
Comment: The p.R332G variant (also known as c.994C>G), located in coding exon 9 of the APC gene, results from a C to G substitution at nucleotide position 994. The arginine at codon 332 is replaced by glycine, an amino acid with dissimilar properties. This amino acid position is conserved. In addition, in silico predictors for this gene do not accurately predict pathogenicity. Based on the available evidence, the clinical significance of this variant remains unclear.

NM_000038.6(APC):c.994C>G (p.Arg332Gly)

Gene: APC (APC regulator of Wnt signaling pathway; plus strand). Cytogenetic location: 5q22.2.
Variant type: single nucleotide variant.
Coding change: c.994C>G on transcript NM_000038.6 (MANE Select); coding-DNA position 994, C replaced by G.
Protein change: p.Arg332Gly; replaces arginine 332 with glycine.
Molecular consequence: missense variant. On other transcripts: non-coding transcript variant (2), intron variant (15).
Genome position (GRCh38, 1-based): chr5:112,819,026, C>G. VCF-style: chr5-112819026-C-G. GRCh37 (hg19) VCF-style: chr5-112154723-C-G.
Other names: c.994C>G, p.Arg332Gly (NM_001127510.3, NM_001354895.2, NM_001354896.2 and 4 more transcripts); c.940C>G, p.Arg314Gly (NM_001127511.3); c.1024C>G, p.Arg342Gly (NM_001354897.2, NM_001407446.1); c.919C>G, p.Arg307Gly (NM_001354898.2, NM_001407451.1); c.910C>G, p.Arg304Gly (NM_001354899.2, NM_001407452.1); c.817C>G, p.Arg273Gly (NM_001354900.2, NM_001354901.2, NM_001407453.1); c.145C>G, p.Arg49Gly (NM_001354906.2, NM_001407470.1); c.85-243C>G (NM_001407472.1, NM_001407471.1); and 5 more; short protein forms R273G, R307G, R342G, R332G, R49G, R314G, R304G.
Identifiers: ClinVar variation 4589116 (VCV004589116.1).